The following is an entry in ClinVar:

NM_000256.3(MYBPC3):c.3551C>T (p.Thr1184Ile)

Gene: MYBPC3 (myosin binding protein C3; minus strand). Cytogenetic location: 11p11.2.
Variant type: single nucleotide variant.
Coding change: c.3551C>T on transcript NM_000256.3 (MANE Select); coding-DNA position 3551, C replaced by T.
Protein change: p.Thr1184Ile; replaces threonine 1184 with isoleucine.
Molecular consequence: missense variant.
Genome position (GRCh38, 1-based): chr11:47,332,642, G>A on the plus strand (C>T on the coding strand, the complement: MYBPC3 is on the minus strand). VCF-style: chr11-47332642-G-A. GRCh37 (hg19) VCF-style: chr11-47354193-G-A.
Other names: short protein forms T1184I.
Identifiers: ClinVar variation 1732602 (VCV001732602.2), dbSNP rs1226495644, ClinGen allele CA380312596.

ClinVar aggregate classification (germline): Uncertain significance (1 of 4 stars; one submission).

Conditions:
Cardiovascular phenotype. Identifiers: MedGen CN230736.

Allele frequency attached by ClinVar (database versions not stated): TOPMed below 0.00001; gnomAD 0.00001.
gnomAD v4.1: 2 of 1,613,758 alleles (0.00012%); highest among the groups gnomAD compares: Admixed American, 0.0017%; no homozygotes.

Submission:

Ambry Genetics
Classification: Uncertain significance for Cardiovascular phenotype. Last evaluated: 2022-07-08. Review status: criteria provided, single submitter. Criteria: Ambry Variant Classification Scheme 2023. Collection method: clinical testing. Allele origin: germline.
Comment: The p.T1184I variant (also known as c.3551C>T), located in coding exon 32 of the MYBPC3 gene, results from a C to T substitution at nucleotide position 3551. The threonine at codon 1184 is replaced by isoleucine, an amino acid with similar properties. This amino acid position is conserved. In addition, the in silico prediction for this alteration is inconclusive. Since supporting evidence is limited at this time, the clinical significance of this alteration remains unclear.